The following is an entry in ClinVar:

NM_001001331.4(ATP2B2):c.1901+7G>A

Gene: ATP2B2 (ATPase plasma membrane Ca2+ transporting 2; minus strand). Cytogenetic location: 3p25.3.
Variant type: single nucleotide variant.
Coding change: c.1901+7G>A on transcript NM_001001331.4 (MANE Select); 7 bases into the intron after coding-DNA position 1901, G replaced by A.
Molecular consequence: intron variant.
Genome position (GRCh38, 1-based): chr3:10,359,875, C>T on the plus strand (G>A on the coding strand, the complement: ATP2B2 is on the minus strand). VCF-style: chr3-10359875-C-T. GRCh37 (hg19) VCF-style: chr3-10401559-C-T.
Other names: c.1766+7G>A (NM_001353564.1, NM_001683.5, NM_001330611.3 and 1 more transcripts).
Identifiers: ClinVar variation 3353213 (VCV003353213.7).
Genomic context (GRCh38, chr3:10,359,875, plus strand): 5'-CCCTGACATCCCCAGCTCCCTGCACCAGGGCACAGCCCTCAGCCCCGGTGCCCTGCCCAG[C>T]GCTTACTTCTTGAGCACGATCTCAGAAGCCCCCTTGCTGTACATGCGGAAGCTCTCGTCG-3'

ClinVar aggregate classification (germline): Likely benign. Review status: criteria provided, multiple submitters, no conflicts (2 of 4 stars). 3 submissions from 3 submitters: Likely benign (2). 1 of the submissions does not count toward it. Last evaluated 2026-03-01.

Conditions:
ATP2B2-related disorder. Also called: ATP2B2-related condition.

gnomAD v4.1: 30 of 1,614,062 alleles (0.0019%); highest among the groups gnomAD compares: Admixed American, 0.03%; 1 homozygote.

Submissions (3):

CeGaT Center for Human Genetics Tuebingen
Classification: Likely benign. Last evaluated: 2026-03-01. Review status: criteria provided, single submitter. Criteria: CeGaT Center For Human Genetics Tuebingen Variant Classification Criteria Version 2. Collection method: clinical testing. Allele origin: germline. Affected: yes. Observed: 1 variant allele.
Comment: ATP2B2: BP4

Labcorp Genetics (formerly Invitae), Labcorp
Classification: Likely benign. Last evaluated: 2024-05-23. Review status: criteria provided, single submitter. Criteria: Invitae Variant Classification Sherloc (09022015). Collection method: clinical testing. Allele origin: germline.

PreventionGenetics, part of Exact Sciences
Classification: Likely benign for ATP2B2-related condition. Last evaluated: 2024-06-04. Review status: no assertion criteria provided. Collection method: clinical testing. Allele origin: germline. Not counted in ClinVar's aggregate classification.
Comment: This variant is classified as likely benign based on ACMG/AMP sequence variant interpretation guidelines (Richards et al. 2015 PMID: 25741868, with internal and published modifications).